The following is an entry in ClinVar:

ClinVar aggregate classification (germline): Uncertain significance (1 of 4 stars; one submission).

Submission:

Labcorp Genetics (formerly Invitae), Labcorp
Classification: Uncertain significance. Last evaluated: 2024-12-26. Review status: criteria provided, single submitter. Criteria: Invitae Variant Classification Sherloc (09022015). Collection method: clinical testing. Allele origin: germline.
Comment: This sequence change replaces aspartic acid, which is acidic and polar, with glycine, which is neutral and non-polar, at codon 770 of the OPA1 protein (p.Asp770Gly). This variant is not present in population databases (gnomAD no frequency). This variant has not been reported in the literature in individuals affected with OPA1-related conditions. Invitae Evidence Modeling of protein sequence and biophysical properties (such as structural, functional, and spatial information, amino acid conservation, physicochemical variation, residue mobility, and thermodynamic stability) indicates that this missense variant is not expected to disrupt OPA1 protein function with a negative predictive value of 80%. In summary, the available evidence is currently insufficient to determine the role of this variant in disease. Therefore, it has been classified as a Variant of Uncertain Significance.

NM_130837.3(OPA1):c.2474A>G (p.Asp825Gly)

Gene: OPA1 (OPA1 mitochondrial dynamin like GTPase; plus strand). Cytogenetic location: 3q29.
Variant type: single nucleotide variant.
Coding change: c.2474A>G on transcript NM_130837.3 (MANE Select); coding-DNA position 2474, A replaced by G.
Protein change: p.Asp825Gly; replaces aspartic acid 825 with glycine.
Molecular consequence: missense variant.
Genome position (GRCh38, 1-based): chr3:193,659,515, A>G. VCF-style: chr3-193659515-A-G. GRCh37 (hg19) VCF-style: chr3-193377304-A-G.
Other names: c.2363A>G, p.Asp788Gly (NM_130834.3); c.2366A>G, p.Asp789Gly (NM_130835.3); c.2420A>G, p.Asp807Gly (NM_130836.3); c.1940A>G, p.Asp647Gly (NM_001354663.2); c.1937A>G, p.Asp646Gly (NM_001354664.2); c.2309A>G, p.Asp770Gly (NM_015560.3); c.2201A>G, p.Asp734Gly (NM_130831.3); c.2255A>G, p.Asp752Gly (NM_130832.3); and 1 more; short protein forms D807G, D646G, D647G, D788G, D789G, D825G, D752G, D770G.
Identifiers: ClinVar variation 3667102 (VCV003667102.2).